The following is an entry in ClinVar:

NM_130837.3(OPA1):c.1966A>G (p.Ile656Val)

Gene: OPA1 (OPA1 mitochondrial dynamin like GTPase; plus strand). Cytogenetic location: 3q29.
Variant type: single nucleotide variant.
Coding change: c.1966A>G on transcript NM_130837.3 (MANE Select); coding-DNA position 1966, A replaced by G.
Protein change: p.Ile656Val; replaces isoleucine 656 with valine.
Molecular consequence: missense variant.
Genome position (GRCh38, 1-based): chr3:193,648,825, A>G. VCF-style: chr3-193648825-A-G. GRCh37 (hg19) VCF-style: chr3-193366614-A-G.
Other names: c.1432A>G, p.Ile478Val (NM_001354663.2); c.1429A>G, p.Ile477Val (NM_001354664.2); c.1801A>G, p.Ile601Val (NM_015560.3); c.1693A>G, p.Ile565Val (NM_130831.3); c.1747A>G, p.Ile583Val (NM_130832.3); c.1804A>G, p.Ile602Val (NM_130833.3); c.1855A>G, p.Ile619Val (NM_130834.3); c.1858A>G, p.Ile620Val (NM_130835.3); and 1 more; short protein forms I477V, I620V, I638V, I478V, I565V, I583V, I602V, I656V.
Identifiers: ClinVar variation 2160679 (VCV002160679.5), dbSNP rs769460409, ClinGen allele CA2759549.
Genomic context (GRCh38, chr3:193,648,825, plus strand): 5'-ATCTTACTTACTTGTATTTATATTGCCTAGAATGAACTATTTGAAAAAGCTAAAAATGAA[A>G]TCCTTGATGAAGTTATCAGTCTGAGCCAGGTTACACCAAAACATTGGTAAGTATTTGATA-3'
Protein context (NP_570850.2, residues 646-666): NELFEKAKNE[Ile656Val]LDEVISLSQV

ClinVar aggregate classification (germline): Uncertain significance. Review status: criteria provided, multiple submitters, no conflicts (2 of 4 stars). 2 submissions from 2 submitters: Uncertain significance (2). Last evaluated 2022-12-15.

Allele frequency attached by ClinVar (database versions not stated): gnomAD 0.00001; ExAC 0.00002; gnomAD exomes 0.00002; TOPMed 0.00002.
gnomAD v4.1: 27 of 1,608,268 alleles (0.0017%); highest among the groups gnomAD compares: Non-Finnish European, 0.0022%; no homozygotes.

Submissions (2):

Labcorp Genetics (formerly Invitae), Labcorp
Classification: Uncertain significance. Last evaluated: 2022-12-15. Review status: criteria provided, single submitter. Criteria: Invitae Variant Classification Sherloc (09022015). Collection method: clinical testing. Allele origin: germline.
Comment: In summary, the available evidence is currently insufficient to determine the role of this variant in disease. Therefore, it has been classified as a Variant of Uncertain Significance. Advanced modeling of protein sequence and biophysical properties (such as structural, functional, and spatial information, amino acid conservation, physicochemical variation, residue mobility, and thermodynamic stability) performed at Invitae indicates that this missense variant is not expected to disrupt OPA1 protein function. This variant is also known as c.1966A>G (p.Ile656Val). This missense change has been observed in individual(s) with autosomal dominant optic atrophy (PMID: 31500643). This variant is present in population databases (rs769460409, gnomAD 0.003%). This sequence change replaces isoleucine, which is neutral and non-polar, with valine, which is neutral and non-polar, at codon 601 of the OPA1 protein (p.Ile601Val).

Blueprint Genetics
Classification: Uncertain significance. Last evaluated: 2021-02-05. Review status: criteria provided, single submitter. Criteria: ACMG Guidelines, 2015. Collection method: clinical testing. Allele origin: germline.

Literature cited by the submitters: PubMed 31500643 (cited by Labcorp Genetics (formerly Invitae), Labcorp).